The following is an entry in ClinVar:

NM_006231.4(POLE):c.3569A>G (p.Glu1190Gly)

Gene: POLE (DNA polymerase epsilon, catalytic subunit; minus strand). Cytogenetic location: 12q24.33.
Variant type: single nucleotide variant.
Coding change: c.3569A>G on transcript NM_006231.4 (MANE Select); coding-DNA position 3569, A replaced by G.
Protein change: p.Glu1190Gly; replaces glutamic acid 1190 with glycine.
Molecular consequence: missense variant.
Genome position (GRCh38, 1-based): chr12:132,657,149, T>C on the plus strand (A>G on the coding strand, the complement: POLE is on the minus strand). VCF-style: chr12-132657149-T-C. GRCh37 (hg19) VCF-style: chr12-133233735-T-C.
Other names: short protein forms E1190G.
Identifiers: ClinVar variation 2843387 (VCV002843387.3), dbSNP rs2541998218, ClinGen allele CA387388328.

ClinVar aggregate classification (germline): Uncertain significance (1 of 4 stars; one submission).

Submission:

Labcorp Genetics (formerly Invitae), Labcorp
Classification: Uncertain significance. Last evaluated: 2023-03-07. Review status: criteria provided, single submitter. Criteria: Invitae Variant Classification Sherloc (09022015). Collection method: clinical testing. Allele origin: germline.
Comment: In summary, the available evidence is currently insufficient to determine the role of this variant in disease. Therefore, it has been classified as a Variant of Uncertain Significance. Studies have shown that this missense change is associated with altered splicing resulting in unknown protein product impact (Invitae). Advanced modeling of protein sequence and biophysical properties (such as structural, functional, and spatial information, amino acid conservation, physicochemical variation, residue mobility, and thermodynamic stability) performed at Invitae indicates that this missense variant is not expected to disrupt POLE protein function. This variant has not been reported in the literature in individuals affected with POLE-related conditions. This variant is not present in population databases (gnomAD no frequency). This sequence change replaces glutamic acid, which is acidic and polar, with glycine, which is neutral and non-polar, at codon 1190 of the POLE protein (p.Glu1190Gly).